The following is an entry in ClinVar:

NM_000548.5(TSC2):c.2098-6T>C

Gene: TSC2 (TSC complex subunit 2; plus strand). Cytogenetic location: 16p13.3.
Variant type: single nucleotide variant.
Coding change: c.2098-6T>C on transcript NM_000548.5 (MANE Select); 6 bases into the intron before coding-DNA position 2098, T replaced by C.
Molecular consequence: intron variant.
Genome position (GRCh38, 1-based): chr16:2,072,235, T>C. VCF-style: chr16-2072235-T-C. GRCh37 (hg19) VCF-style: chr16-2122236-T-C.
Other names: c.2098-6T>C (NM_001114382.3, NM_021055.3, NM_001370405.1 and 3 more transcripts); c.1987-6T>C (NM_001318827.2); c.1498-6T>C (NM_001318831.2); c.1951-6T>C (NM_001318829.2); c.2131-6T>C (NM_001318832.2).
Identifiers: ClinVar variation 388859 (VCV000388859.11), dbSNP rs1057523252, ClinGen allele CA16608045.

ClinVar aggregate classification (germline): Benign/Likely benign. Review status: criteria provided, multiple submitters, no conflicts (2 of 4 stars). 3 submissions from 3 submitters: Benign (1); Likely benign (2). Last evaluated 2021-11-07.

Conditions:
Tuberous sclerosis 2 (TSC2). Identifiers: Orphanet 805, MedGen C1860707, MONDO:0013199, OMIM 613254.

Submissions (3):

Genome-Nilou Lab
Classification: Benign for Tuberous sclerosis 2. Last evaluated: 2021-11-07. Review status: criteria provided, single submitter. Criteria: ACMG Guidelines, 2015. Collection method: clinical testing. Allele origin: germline. Affected: no.

Labcorp Genetics (formerly Invitae), Labcorp
Classification: Likely benign for Tuberous sclerosis 2. Last evaluated: 2020-07-29. Review status: criteria provided, single submitter. Criteria: Invitae Variant Classification Sherloc (09022015). Collection method: clinical testing. Allele origin: germline.

GeneDx
Classification: Likely benign. Last evaluated: 2016-08-25. Review status: criteria provided, single submitter. Criteria: GeneDx Variant Classification (06012015). Collection method: clinical testing. Allele origin: germline. Affected: yes.
Comment: This variant is considered likely benign or benign based on one or more of the following criteria: it is a conservative change, it occurs at a poorly conserved position in the protein, it is predicted to be benign by multiple in silico algorithms, and/or has population frequency not consistent with disease.